The following is an entry in ClinVar:

ClinVar aggregate classification (germline): Uncertain significance. Review status: criteria provided, single submitter (1 of 4 stars). 2 submissions from 2 submitters: Uncertain significance (1). 1 of the submissions does not count toward it. Last evaluated 2026-01-12.

Conditions:
Hereditary factor IX deficiency disease (HEMB). Also called: PLASMA THROMBOPLASTIN COMPONENT DEFICIENCY; F9 DEFICIENCY; FACTOR IX DEFICIENCY; Hemophilia B; Christmas Disease. Identifiers: Orphanet 98879, MedGen C0008533, MeSH D002836, MONDO:0010604, OMIM 306900.

Submissions (2):

Women's Health and Genetics/Laboratory Corporation of America, LabCorp
Classification: Uncertain significance. Last evaluated: 2026-01-12. Review status: criteria provided, single submitter. Criteria: LabCorp Variant Classification Summary - May 2015. Collection method: clinical testing. Allele origin: germline.
Comment: Variant summary: F9 c.1088G>T (p.Gly363Val) results in a non-conservative amino acid change in the encoded protein sequence. Algorithms developed to predict the effect of missense changes on protein structure and function all suggest that this variant is likely to be disruptive. The variant was absent in 183179 control chromosomes. The available data on variant occurrences in the general population are insufficient to allow any conclusion about variant significance. c.1088G>T has been observed in at least one individual affected with Factor IX Deficiency (Hemophilia B) (e.g. Jiang_2013). These report(s) do not provide unequivocal conclusions about association of the variant with Factor IX Deficiency (Hemophilia B). To our knowledge, no experimental evidence demonstrating an impact on protein function has been reported. The following publication has been ascertained in the context of this evaluation (PMID: 23683429). ClinVar contains an entry for this variant (Variation ID: 10618). Based on the evidence outlined above, the variant was classified as uncertain significance.

OMIM
Classification: Pathogenic for HEMOPHILIA B. Last evaluated: 2016-08-04. Review status: no assertion criteria provided. Collection method: literature only. Allele origin: germline. Not counted in ClinVar's aggregate classification.

Literature cited by the submitters: PubMed 23683429 (cited by Women's Health and Genetics/Laboratory Corporation of America, LabCorp); Spitzer, S. G., Warn-Cramer, B. J., Kasper, C. C., Pendurthi, U. R., Bajaj, S. P. Mutations in the catalytic domain of factor IXa which prevent macromolecular catalysis. (Abstract) Circulation 78 (suppl. II): 118, 1988. (cited by OMIM).

NM_000133.4(F9):c.1088G>T (p.Gly363Val)

Gene: F9 (coagulation factor IX; plus strand). Cytogenetic location: Xq27.1.
Variant type: single nucleotide variant.
Coding change: c.1088G>T on transcript NM_000133.4 (MANE Select); coding-DNA position 1088, G replaced by T.
Protein change: p.Gly363Val; replaces glycine 363 with valine.
Molecular consequence: missense variant.
Genome position (GRCh38, 1-based): chrX:139,561,773, G>T. VCF-style: chrX-139561773-G-T. GRCh37 (hg19) VCF-style: chrX-138643932-G-T.
Other names: F9, GLY363VAL; c.974G>T, p.Gly325Val (NM_001313913.2); short protein forms G363V, G325V.
Identifiers: ClinVar variation 10618 (VCV000010618.3), dbSNP rs387906479, ClinGen allele CA255408.